The following is an entry in ClinVar:

NM_001457.4(FLNB):c.5041C>A (p.Pro1681Thr)

Gene: FLNB (filamin B; plus strand). Cytogenetic location: 3p14.3.
Variant type: single nucleotide variant.
Coding change: c.5041C>A on transcript NM_001457.4 (MANE Select); coding-DNA position 5041, C replaced by A.
Protein change: p.Pro1681Thr; replaces proline 1681 with threonine.
Molecular consequence: missense variant.
Genome position (GRCh38, 1-based): chr3:58,138,461, C>A. VCF-style: chr3-58138461-C-A. GRCh37 (hg19) VCF-style: chr3-58124188-C-A.
Other names: c.5134C>A, p.Pro1712Thr (NM_001164317.2); c.5041C>A, p.Pro1681Thr (NM_001164318.2, NM_001164319.2); short protein forms P1712T, P1681T.
Identifiers: ClinVar variation 3689608 (VCV003689608.2).

ClinVar aggregate classification (germline): Uncertain significance (1 of 4 stars; one submission).

Submission:

Labcorp Genetics (formerly Invitae), Labcorp
Classification: Uncertain significance. Last evaluated: 2024-12-30. Review status: criteria provided, single submitter. Criteria: Invitae Variant Classification Sherloc (09022015). Collection method: clinical testing. Allele origin: germline.
Comment: This sequence change replaces proline, which is neutral and non-polar, with threonine, which is neutral and polar, at codon 1681 of the FLNB protein (p.Pro1681Thr). This variant is not present in population databases (gnomAD no frequency). This variant has not been reported in the literature in individuals affected with FLNB-related conditions. Invitae Evidence Modeling of protein sequence and biophysical properties (such as structural, functional, and spatial information, amino acid conservation, physicochemical variation, residue mobility, and thermodynamic stability) indicates that this missense variant is not expected to disrupt FLNB protein function with a negative predictive value of 95%. In summary, the available evidence is currently insufficient to determine the role of this variant in disease. Therefore, it has been classified as a Variant of Uncertain Significance.